The following is an entry in ClinVar:

NM_000051.4(ATM):c.8770G>A (p.Glu2924Lys)

Genes: ATM (ATM serine/threonine kinase; plus strand), C11orf65 (chromosome 11 open reading frame 65; minus strand). Cytogenetic location: 11q22.3.
Variant type: single nucleotide variant.
Coding change: c.8770G>A on transcript NM_000051.4 (MANE Select); coding-DNA position 8770, G replaced by A.
Protein change: p.Glu2924Lys; replaces glutamic acid 2924 with lysine.
Molecular consequence: missense variant. On other transcripts: intron variant (2).
Genome position (GRCh38, 1-based): chr11:108,353,864, G>A. VCF-style: chr11-108353864-G-A. GRCh37 (hg19) VCF-style: chr11-108224591-G-A.
Other names: c.8770G>A, p.Glu2924Lys (NM_001351834.2); c.640+32056C>T (NM_001330368.2); c.695-18572C>T (NM_001351110.2); short protein forms E2924K.
Identifiers: ClinVar variation 1440491 (VCV001440491.11), dbSNP rs2137295860, ClinGen allele CA382524236.

ClinVar aggregate classification (germline): Uncertain significance. Review status: criteria provided, multiple submitters, no conflicts (2 of 4 stars). 2 submissions from 2 submitters: Uncertain significance (2). Last evaluated 2025-10-23.

Conditions:
Ataxia-telangiectasia syndrome (AT). Also called: Ataxia-telangiectasia; LOUIS-BAR SYNDROME; Ataxia-telangiectasia, complementation group D; AT, COMPLEMENTATION GROUP C; ATAXIA-TELANGIECTASIA, COMPLEMENTATION GROUP A; ATAXIA-TELANGIECTASIA, FRESNO VARIANT. Identifiers: Orphanet 100, MedGen C0004135, MONDO:0008840, OMIM 208900.
Hereditary cancer-predisposing syndrome. Also called: Tumor predisposition; Neoplastic Syndromes, Hereditary; Hereditary Cancer Syndrome; Hereditary neoplastic syndrome. Identifiers: Orphanet 140162, MedGen C0027672, MeSH D009386, MONDO:0015356.

Submissions (2):

Labcorp Genetics (formerly Invitae), Labcorp
Classification: Uncertain significance for Ataxia-telangiectasia syndrome. Last evaluated: 2025-10-23. Review status: criteria provided, single submitter. Criteria: Invitae Variant Classification Sherloc (09022015). Collection method: clinical testing. Allele origin: germline.
Comment: This sequence change replaces glutamic acid, which is acidic and polar, with lysine, which is basic and polar, at codon 2924 of the ATM protein (p.Glu2924Lys). This variant is not present in population databases (gnomAD no frequency). This variant has not been reported in the literature in individuals affected with ATM-related conditions. ClinVar contains an entry for this variant (Variation ID: 1440491). Invitae Evidence Modeling of protein sequence and biophysical properties (such as structural, functional, and spatial information, amino acid conservation, physicochemical variation, residue mobility, and thermodynamic stability) indicates that this missense variant is expected to disrupt ATM protein function with a positive predictive value of 95%. In summary, the available evidence is currently insufficient to determine the role of this variant in disease. Therefore, it has been classified as a Variant of Uncertain Significance.

Ambry Genetics
Classification: Uncertain significance for Hereditary cancer-predisposing syndrome. Last evaluated: 2022-12-08. Review status: criteria provided, single submitter. Criteria: Ambry Variant Classification Scheme 2023. Collection method: clinical testing. Allele origin: germline.
Comment: The p.E2924K variant (also known as c.8770G>A), located in coding exon 59 of the ATM gene, results from a G to A substitution at nucleotide position 8770. The glutamic acid at codon 2924 is replaced by lysine, an amino acid with similar properties. This amino acid position is highly conserved in available vertebrate species. In addition, this alteration is predicted to be deleterious by in silico analysis. Since supporting evidence is limited at this time, the clinical significance of this alteration remains unclear.